The following is an entry in ClinVar:

ClinVar aggregate classification (germline): Uncertain significance (1 of 4 stars; one submission).

Submission:

GeneDx
Classification: Uncertain significance. Last evaluated: 2026-06-05. Review status: criteria provided, single submitter. Criteria: GeneDx Variant Classification Process June 2021. Collection method: clinical testing. Allele origin: germline.
Comment: Not observed at significant frequency in large population cohorts (gnomAD); In silico analysis supports that this missense variant has a deleterious effect on protein structure/function; Has not been previously published as pathogenic or benign to our knowledge

NM_024496.4(IRF2BPL):c.1742T>G (p.Met581Arg)

Gene: IRF2BPL (interferon regulatory factor 2 binding protein like; minus strand). Cytogenetic location: 14q24.3.
Variant type: single nucleotide variant.
Coding change: c.1742T>G on transcript NM_024496.4 (MANE Select); coding-DNA position 1742, T replaced by G.
Protein change: p.Met581Arg; replaces methionine 581 with arginine.
Molecular consequence: missense variant.
Genome position (GRCh38, 1-based): chr14:77,026,051, A>C on the plus strand (T>G on the coding strand, the complement: IRF2BPL is on the minus strand). VCF-style: chr14-77026051-A-C. GRCh37 (hg19) VCF-style: chr14-77492394-A-C.
Other names: short protein forms M581R.
Identifiers: ClinVar variation 3369295 (VCV003369295.2).